The following is an entry in ClinVar:

NM_001009999.3(KDM1A):c.302T>A (p.Ile101Lys)

Gene: KDM1A (lysine demethylase 1A; plus strand). Cytogenetic location: 1p36.12.
Variant type: single nucleotide variant.
Coding change: c.302T>A on transcript NM_001009999.3 (MANE Select); coding-DNA position 302, T replaced by A.
Protein change: p.Ile101Lys; replaces isoleucine 101 with lysine.
Molecular consequence: missense variant.
Genome position (GRCh38, 1-based): chr1:23,019,898, T>A. VCF-style: chr1-23019898-T-A. GRCh37 (hg19) VCF-style: chr1-23346391-T-A.
Other names: c.302T>A, p.Ile101Lys (NM_001363654.2, NM_001410762.1, NM_001410763.1 and 1 more transcripts); short protein forms I101K.
Identifiers: ClinVar variation 2229543 (VCV002229543.2), dbSNP rs1641562902, ClinGen allele CA338952362.

ClinVar aggregate classification (germline): Uncertain significance (1 of 4 stars; one submission).

Conditions:
Inborn genetic diseases. Identifiers: MedGen C0950123, MeSH D030342.

Submission:

Ambry Genetics
Classification: Uncertain significance for Inborn genetic diseases. Last evaluated: 2021-03-22. Review status: criteria provided, single submitter. Criteria: Ambry Variant Classification Scheme 2023. Collection method: clinical testing. Allele origin: germline.
Comment: The c.302T>A (p.I101K) alteration is located in exon 1 (coding exon 1) of the KDM1A gene. This alteration results from a T to A substitution at nucleotide position 302, causing the isoleucine (I) at amino acid position 101 to be replaced by a lysine (K). The p.I101K alteration is predicted to be tolerated by in silico analysis. Based on insufficient or conflicting evidence, the clinical significance of this alteration remains unclear.